The following is an entry in ClinVar:

NM_000069.3(CACNA1S):c.2832C>A (p.Cys944Ter)

Gene: CACNA1S (calcium voltage-gated channel subunit alpha1 S; minus strand). Cytogenetic location: 1q32.1.
Variant type: single nucleotide variant.
Coding change: c.2832C>A on transcript NM_000069.3 (MANE Select); coding-DNA position 2832, C replaced by A.
Protein change: p.Cys944Ter; replaces cysteine 944 with a stop codon.
Molecular consequence: nonsense.
Genome position (GRCh38, 1-based): chr1:201,065,859, G>T on the plus strand (C>A on the coding strand, the complement: CACNA1S is on the minus strand). VCF-style: chr1-201065859-G-T. GRCh37 (hg19) VCF-style: chr1-201034987-G-T.
Other names: short protein forms C944*.
Identifiers: ClinVar variation 3073077 (VCV003073077.1), dbSNP rs2464518256, ClinGen allele CA344101343.
Genomic context (GRCh38, chr1:201,065,859, plus strand): 5'-GAGCGGGAGGGGGAGCTGCTCGCGCAGGCTGGGGCTCACCTTGAAGAGCTGGACGCCGAT[G>T]CAGGCAAACATGAACTGTAGGAGGGTAGTGACCAGCACGATGTTCCCGATGGTGCTGATG-3'

ClinVar aggregate classification (germline): Uncertain significance (1 of 4 stars; one submission).

Conditions:
Malignant hyperthermia, susceptibility to, 5 (MHS5). Also called: CACNA1S-Related Malignant Hyperthermia Susceptibility. Identifiers: Orphanet 423, MedGen C1866077, MONDO:0011163, OMIM 601887.

Submission:

All of Us Research Program, National Institutes of Health
Classification: Uncertain significance for Malignant hyperthermia, susceptibility to, 5. Last evaluated: 2023-08-23. Review status: criteria provided, single submitter. Criteria: ACMG Guidelines, 2015. Collection method: clinical testing. Allele origin: germline. Inheritance: Autosomal dominant inheritance. Observed: 1 variant allele, 1 heterozygote.
Comment: This variant changes 1 nucleotide in exon 22 of the CACNA1S gene, creating a premature translation stop signal. This variant is expected to result in an absent or non-functional protein product. To our knowledge, this variant has not been reported in individuals affected with autosomal dominant malignant hyperthermia in the literature. Loss of CACNA1S function due to truncation variants is not an established disease mechanism for autosomal dominant malignant hyperthermia. This variant has not been identified in the general population by the Genome Aggregation Database (gnomAD). Due to insufficient evidence, this variant is classified as a Variant of Uncertain Significance for autosomal dominant malignant hyperthermia.

This study involves interpretation of variants in research participants for the purpose of population health screening. Participant phenotype was not available at the time of variant classification. Additional details can be found in publication PMID: 35346344, PMCID: PMC8962531